The following is an entry in ClinVar:

ClinVar aggregate classification (germline): Uncertain significance (1 of 4 stars; one submission).

Conditions:
Cardiovascular phenotype. Identifiers: MedGen CN230736.

Submission:

Ambry Genetics
Classification: Uncertain significance for Cardiovascular phenotype. Last evaluated: 2022-03-08. Review status: criteria provided, single submitter. Criteria: Ambry Variant Classification Scheme 2023. Collection method: clinical testing. Allele origin: germline.
Comment: The p.A150V variant (also known as c.449C>T), located in coding exon 3 of the MYH6 gene, results from a C to T substitution at nucleotide position 449. The alanine at codon 150 is replaced by valine, an amino acid with similar properties. This amino acid position is highly conserved in available vertebrate species. In addition, the in silico prediction for this alteration is inconclusive. Since supporting evidence is limited at this time, the clinical significance of this alteration remains unclear.

NM_002471.4(MYH6):c.449C>T (p.Ala150Val)

Genes: MYH6 (myosin heavy chain 6; minus strand), LOC114827851 (VISTA enhancer hs2155; plus strand). Cytogenetic location: 14q11.2.
Variant type: single nucleotide variant.
Coding change: c.449C>T on transcript NM_002471.4 (MANE Select); coding-DNA position 449, C replaced by T.
Protein change: p.Ala150Val; replaces alanine 150 with valine.
Molecular consequence: missense variant.
Genome position (GRCh38, 1-based): chr14:23,405,276, G>A on the plus strand (C>T on the coding strand, the complement: MYH6 is on the minus strand). VCF-style: chr14-23405276-G-A. GRCh37 (hg19) VCF-style: chr14-23874485-G-A.
Other names: short protein forms A150V.
Identifiers: ClinVar variation 1741018 (VCV001741018.2), dbSNP rs879175179, ClinGen allele CA389030855.
Genomic context (GRCh38, chr14:23,405,276, plus strand): 5'-GGCTCACCTGTCAGCATGTACTGATAGGCGTTGTCGGAGATGGAGAAGATGTGGGGCGGG[G>A]CCTCACTCCTCTTCTTGCCCCGGTAGGCGGCCACCACCTCGGCATTGTACACCGGCAGCC-3'
Protein context (NP_002462.2, residues 140-160): AAYRGKKRSE[Ala150Val]PPHIFSISDN